The following is an entry in ClinVar:

NM_001256789.3(CACNA1F):c.4128G>C (p.Glu1376Asp)

Gene: CACNA1F (calcium voltage-gated channel subunit alpha1 F; minus strand). Cytogenetic location: Xp11.23.
Variant type: single nucleotide variant.
Coding change: c.4128G>C on transcript NM_001256789.3 (MANE Select); coding-DNA position 4128, G replaced by C.
Protein change: p.Glu1376Asp; replaces glutamic acid 1376 with aspartic acid.
Molecular consequence: missense variant.
Genome position (GRCh38, 1-based): chrX:49,211,454, C>G on the plus strand (G>C on the coding strand, the complement: CACNA1F is on the minus strand). VCF-style: chrX-49211454-C-G. GRCh37 (hg19) VCF-style: chrX-49067914-C-G.
Other names: c.3966G>C, p.Glu1322Asp (NM_001256790.3); c.4161G>C, p.Glu1387Asp (NM_005183.4); short protein forms E1376D, E1322D, E1387D.
Identifiers: ClinVar variation 2784124 (VCV002784124.3), dbSNP rs137853906, ClinGen allele CA412961753.

ClinVar aggregate classification (germline): Uncertain significance (1 of 4 stars; one submission).

Submission:

Labcorp Genetics (formerly Invitae), Labcorp
Classification: Uncertain significance. Last evaluated: 2023-07-25. Review status: criteria provided, single submitter. Criteria: Invitae Variant Classification Sherloc (09022015). Collection method: clinical testing. Allele origin: germline.
Comment: Advanced modeling of protein sequence and biophysical properties (such as structural, functional, and spatial information, amino acid conservation, physicochemical variation, residue mobility, and thermodynamic stability) performed at Invitae indicates that this missense variant is not expected to disrupt CACNA1F protein function. In summary, the available evidence is currently insufficient to determine the role of this variant in disease. Therefore, it has been classified as a Variant of Uncertain Significance. This sequence change replaces glutamic acid, which is acidic and polar, with aspartic acid, which is acidic and polar, at codon 1387 of the CACNA1F protein (p.Glu1387Asp). This variant is not present in population databases (gnomAD no frequency). This missense change has been observed in individual(s) with Usher syndrome (PMID: 22025579).

Literature cited by the submitters: PubMed 22025579.